The following is an entry in ClinVar:

ClinVar aggregate classification (germline): Uncertain significance (1 of 4 stars; one submission).

Conditions:
KIDINS220-related disorder. Also called: KIDINS220-related condition.

gnomAD v4.1: 3 of 1,605,208 alleles (0.00019%); highest among the groups gnomAD compares: African/African-American, 0.0027%; no homozygotes.

Submission:

PreventionGenetics, part of Exact Sciences
Classification: Uncertain significance for KIDINS220-related condition. Last evaluated: 2025-03-15. Review status: criteria provided, single submitter. Criteria: ACMG Guidelines, 2015. Collection method: clinical testing. Allele origin: germline.
Comment: The KIDINS220 c.2224A>G variant is predicted to result in the amino acid substitution p.Met742Val. To our knowledge, this variant has not been reported in the literature or in a large population database (gnomAD), indicating this variant is rare. At this time, the clinical significance of this variant is uncertain due to the absence of conclusive functional and genetic evidence.

NM_020738.4(KIDINS220):c.2224A>G (p.Met742Val)

Gene: KIDINS220 (kinase D interacting substrate 220; minus strand). Cytogenetic location: 2p25.1.
Variant type: single nucleotide variant.
Coding change: c.2224A>G on transcript NM_020738.4 (MANE Select); coding-DNA position 2224, A replaced by G.
Protein change: p.Met742Val; replaces methionine 742 with valine.
Molecular consequence: missense variant. On other transcripts: non-coding transcript variant (2).
Genome position (GRCh38, 1-based): chr2:8,785,746, T>C on the plus strand (A>G on the coding strand, the complement: KIDINS220 is on the minus strand). VCF-style: chr2-8785746-T-C. GRCh37 (hg19) VCF-style: chr2-8925876-T-C.
Other names: c.2227A>G, p.Met743Val (NM_001348729.2, NM_001348731.2, NM_001348734.2 and 3 more transcripts); c.2224A>G, p.Met742Val (NM_001348732.2, NM_001348735.2, NM_001348738.2 and 3 more transcripts); c.2098A>G, p.Met700Val (NM_001348736.2); short protein forms M742V, M743V, M700V.
Identifiers: ClinVar variation 4997889 (VCV004997889.1).